The following is an entry in ClinVar:

NM_004316.4(ASCL1):c.108_128del (p.Ala41_Ala47del)

Genes: ASCL1 (achaete-scute family bHLH transcription factor 1; plus strand), PAH (phenylalanine hydroxylase; minus strand). Cytogenetic location: 12q23.2.
Variant type: Deletion.
Coding change: c.108_128del on transcript NM_004316.4 (MANE Select); coding-DNA positions 108 to 128, 21 bases deleted (AGCCGCGGCGGCCGCAGCCGC).
Protein change: p.Ala41_Ala47del.
Molecular consequence: inframe deletion. On other transcripts: 5 prime UTR variant (1).
Genome position (GRCh38, 1-based): chr12:102,958,352-102,958,372, AGCCGCGGCGGCCGCAGCCGC deleted; deleting any 21 consecutive bases within chr12:102,958,347-102,958,372 gives the same sequence; the c. name uses the placement nearest the transcript's 3' end. VCF-style (leftmost placement, unchanged base first): chr12-102958346-GGCCGCAGCCGCGGCGGCCGCA-G. GRCh37 (hg19) VCF-style: chr12-103352124-GGCCGCAGCCGCGGCGGCCGCA-G.
Other names: c.-268_-248del (NM_001354304.2).
Identifiers: ClinVar variation 3352753 (VCV003352753.1).

ClinVar aggregate classification (germline): Likely benign (0 of 4 stars; one submission).

Conditions:
ASCL1-related disorder. Also called: ASCL1-related condition.

Submission:

PreventionGenetics, part of Exact Sciences
Classification: Likely benign for ASCL1-related condition. Last evaluated: 2019-06-11. Review status: no assertion criteria provided. Collection method: clinical testing. Allele origin: germline.
Comment: This variant is classified as likely benign based on ACMG/AMP sequence variant interpretation guidelines (Richards et al. 2015 PMID: 25741868, with internal and published modifications).